The following is an entry in ClinVar:

ClinVar aggregate classification (germline): Conflicting classifications of pathogenicity. Review status: criteria provided, conflicting classifications (1 of 4 stars). 2 submissions from 2 submitters: Uncertain significance (1); Likely benign (1). Last evaluated 2024-12-22.

Submissions (2):

Mayo Clinic Laboratories, Mayo Clinic
Classification: Likely benign. Last evaluated: 2024-12-22. Review status: criteria provided, single submitter. Criteria: ACMG Guidelines, 2015. Collection method: clinical testing. Allele origin: germline. Observed: 20 variant alleles.
Comment: BS1, BP4

Ambry Genetics
Classification: Uncertain significance. Last evaluated: 2024-07-08. Review status: criteria provided, single submitter. Criteria: Ambry Variant Classification Scheme 2023. Collection method: clinical testing. Allele origin: germline.
Comment: The p.I106F variant (also known as c.316A>T) is located in coding exon 4 of the RAD51B gene. The isoleucine at codon 106 is replaced by phenylalanine, an amino acid with highly similar properties. This change occurs in the first base pair of coding exon 4. This amino acid position is well conserved in available vertebrate species. In addition, the in silico prediction for this alteration is inconclusive. The evidence for this gene-disease relationship is limited; therefore, the clinical significance of this alteration is unclear.

NM_133510.4(RAD51B):c.316A>T (p.Ile106Phe)

Gene: RAD51B (RAD51 paralog B; plus strand). Cytogenetic location: 14q24.1.
Variant type: single nucleotide variant.
Coding change: c.316A>T on transcript NM_133510.4 (MANE Select); coding-DNA position 316, A replaced by T.
Protein change: p.Ile106Phe; replaces isoleucine 106 with phenylalanine.
Molecular consequence: missense variant. On other transcripts: 5 prime UTR variant (1).
Genome position (GRCh38, 1-based): chr14:67,865,003, A>T. VCF-style: chr14-67865003-A-T. GRCh37 (hg19) VCF-style: chr14-68331720-A-T.
Other names: p.Ile106Phe; c.316A>T, p.Ile106Phe (NM_001321809.2, NM_001321810.2, NM_001321812.1 and 6 more transcripts); c.202A>T, p.Ile68Phe (NM_001321815.1); c.-42A>T (NM_001321817.2); c.316A>T (NM_133509.4); short protein forms I68F, I106F.
Identifiers: ClinVar variation 3429601 (VCV003429601.2).
Genomic context (GRCh38, chr14:67,865,003, plus strand): 5'-TGATGTTTATCTAAAAAACTTTTTTTTTTTTTTTTTTTTTTTTTTTTTTTTTTTTTTTAG[A>T]TTACAGGTCCACCAGGTTGTGGAAAAACTCAGTTTTGTATAATGATGAGCATTTTGGCTA-3'
Protein context (NP_598194.1, residues 96-116): GGVACGSLTE[Ile106Phe]TGPPGCGKTQ